The following is an entry in ClinVar:

NM_002677.5(PMP2):c.37T>A (p.Ser13Thr)

Gene: PMP2 (peripheral myelin protein 2; minus strand). Cytogenetic location: 8q21.13.
Variant type: single nucleotide variant.
Coding change: c.37T>A on transcript NM_002677.5 (MANE Select); coding-DNA position 37, T replaced by A.
Protein change: p.Ser13Thr; replaces serine 13 with threonine.
Molecular consequence: missense variant.
Genome position (GRCh38, 1-based): chr8:81,447,350, A>T on the plus strand (T>A on the coding strand, the complement: PMP2 is on the minus strand). VCF-style: chr8-81447350-A-T. GRCh37 (hg19) VCF-style: chr8-82359585-A-T.
Other names: c.37T>A, p.Ser13Thr (NM_001348381.2); short protein forms S13T.
Identifiers: ClinVar variation 2818775 (VCV002818775.3), dbSNP rs1231052802, ClinGen allele CA371518670.

ClinVar aggregate classification (germline): Uncertain significance (1 of 4 stars; one submission).

Allele frequency attached by ClinVar (database versions not stated): gnomAD exomes below 0.00001; TOPMed 0.00001.
gnomAD v4.1: 1 of 1,614,002 alleles (0.000062%); highest among the groups gnomAD compares: Non-Finnish European, 0.000085%; no homozygotes.

Submission:

Labcorp Genetics (formerly Invitae), Labcorp
Classification: Uncertain significance. Last evaluated: 2024-12-10. Review status: criteria provided, single submitter. Criteria: Invitae Variant Classification Sherloc (09022015). Collection method: clinical testing. Allele origin: germline.
Comment: This sequence change replaces serine, which is neutral and polar, with threonine, which is neutral and polar, at codon 13 of the PMP2 protein (p.Ser13Thr). This variant is not present in population databases (gnomAD no frequency). This variant has not been reported in the literature in individuals affected with PMP2-related conditions. ClinVar contains an entry for this variant (Variation ID: 2818775). An algorithm developed to predict the effect of missense changes on protein structure and function (PolyPhen-2) suggests that this variant is likely to be tolerated. In summary, the available evidence is currently insufficient to determine the role of this variant in disease. Therefore, it has been classified as a Variant of Uncertain Significance.